The following is an entry in ClinVar:

NM_001371623.1(TCOF1):c.2623_2640del (p.Ser875_Glu880del)

Gene: TCOF1 (treacle ribosome biogenesis factor 1; plus strand). Cytogenetic location: 5q32.
Variant type: Deletion.
Coding change: c.2623_2640del on transcript NM_001371623.1 (MANE Select); coding-DNA positions 2623 to 2640, 18 bases deleted (TCAGACAGTGAGGAGGAG).
Protein change: p.Ser875_Glu880del.
Molecular consequence: inframe deletion.
Genome position (GRCh38, 1-based): chr5:150,379,373-150,379,390, TCAGACAGTGAGGAGGAG deleted; deleting any 18 consecutive bases within chr5:150,379,360-150,379,390 gives the same sequence; the c. name uses the placement nearest the transcript's 3' end. VCF-style (leftmost placement, unchanged base first): chr5-150379359-GCAGTGAGGAGGAGTCAGA-G. GRCh37 (hg19) VCF-style: chr5-149758922-GCAGTGAGGAGGAGTCAGA-G.
Other names: c.2392_2409del, p.Ser798_Glu803del (NM_000356.4, NM_001135245.2); c.2623_2640del, p.Ser875_Glu880del (NM_001008657.3, NM_001135243.2, NM_001135244.2 and 1 more transcripts).
Identifiers: ClinVar variation 2753393 (VCV002753393.4), dbSNP rs779750207, ClinGen allele CA3511206.

ClinVar aggregate classification (germline): Conflicting classifications of pathogenicity. Review status: criteria provided, conflicting classifications (1 of 4 stars). 2 submissions from 2 submitters: Uncertain significance (1); Likely benign (1). Last evaluated 2024-01-11.

Conditions:
Treacher Collins syndrome 1 (TCS1). Also called: TCOF1-Related Treacher Collins Syndrome. Identifiers: Orphanet 861, MedGen CN315775, MONDO:0007944, OMIM 154500.

Submissions (2):

Labcorp Genetics (formerly Invitae), Labcorp
Classification: Uncertain significance for Treacher Collins syndrome 1. Last evaluated: 2024-01-11. Review status: criteria provided, single submitter. Criteria: Invitae Variant Classification Sherloc (09022015). Collection method: clinical testing. Allele origin: germline.
Comment: This variant, c.2623_2640del, results in the deletion of 6 amino acid(s) of the TCOF1 protein (p.Ser875_Glu880del), but otherwise preserves the integrity of the reading frame. This variant is present in population databases (rs779750207, gnomAD 0.03%). This variant has not been reported in the literature in individuals affected with TCOF1-related conditions. Experimental studies and prediction algorithms are not available or were not evaluated, and the functional significance of this variant is currently unknown. In summary, the available evidence is currently insufficient to determine the role of this variant in disease. Therefore, it has been classified as a Variant of Uncertain Significance.

Blueprint Genetics
Classification: Likely benign. Last evaluated: 2022-06-10. Review status: criteria provided, single submitter. Criteria: ACMG Guidelines, 2015. Collection method: clinical testing. Allele origin: germline.